The following is an entry in ClinVar:

NM_006005.3(WFS1):c.1354G>A (p.Glu452Lys)

Gene: WFS1 (wolframin ER transmembrane glycoprotein; plus strand). Cytogenetic location: 4p16.1.
Variant type: single nucleotide variant.
Coding change: c.1354G>A on transcript NM_006005.3 (MANE Select); coding-DNA position 1354, G replaced by A.
Protein change: p.Glu452Lys; replaces glutamic acid 452 with lysine.
Molecular consequence: missense variant.
Genome position (GRCh38, 1-based): chr4:6,301,149, G>A. VCF-style: chr4-6301149-G-A. GRCh37 (hg19) VCF-style: chr4-6302876-G-A.
Other names: c.1354G>A, p.Glu452Lys (NM_001145853.1); short protein forms E452K.
Identifiers: ClinVar variation 4750502 (VCV004750502.1).
Genomic context (GRCh38, chr4:6,301,149, plus strand): 5'-CTGGCTGTCATCACCGGCTTCTTTACCGTGACCAGCTACCTGAGCCTGAGCACCCATGCA[G>A]AGCCCTACACGCGCAGGGCCCTGGCCACCGAGGTCACCGCCGGCCTGCTATCGCTGCTGC-3'
Protein context (NP_005996.2, residues 442-462): TSYLSLSTHA[Glu452Lys]PYTRRALATE

ClinVar aggregate classification (germline): Uncertain significance (1 of 4 stars; one submission).

gnomAD v4.1: 3 of 1,613,186 alleles (0.00019%); highest among the groups gnomAD compares: Admixed American, 0.005%; no homozygotes.

Submission:

Labcorp Genetics (formerly Invitae), Labcorp
Classification: Uncertain significance. Last evaluated: 2026-01-04. Review status: criteria provided, single submitter. Criteria: Invitae Variant Classification Sherloc (09022015). Collection method: clinical testing. Allele origin: germline.
Comment: This sequence change replaces glutamic acid, which is acidic and polar, with lysine, which is basic and polar, at codon 452 of the WFS1 protein (p.Glu452Lys). This variant is present in population databases (no rsID available, gnomAD 0.006%). This variant has not been reported in the literature in individuals affected with WFS1-related conditions. Invitae Evidence Modeling of protein sequence and biophysical properties (such as structural, functional, and spatial information, amino acid conservation, physicochemical variation, residue mobility, and thermodynamic stability) indicates that this missense variant is not expected to disrupt WFS1 protein function with a negative predictive value of 95%. In summary, the available evidence is currently insufficient to determine the role of this variant in disease. Therefore, it has been classified as a Variant of Uncertain Significance.